The following is an entry in ClinVar:

NM_001018113.3(FANCB):c.1980T>G (p.Phe660Leu)

Gene: FANCB (FA complementation group B; minus strand). Cytogenetic location: Xp22.2.
Variant type: single nucleotide variant.
Coding change: c.1980T>G on transcript NM_001018113.3 (MANE Select); coding-DNA position 1980, T replaced by G.
Protein change: p.Phe660Leu; replaces phenylalanine 660 with leucine.
Molecular consequence: missense variant.
Genome position (GRCh38, 1-based): chrX:14,844,688, A>C on the plus strand (T>G on the coding strand, the complement: FANCB is on the minus strand). VCF-style: chrX-14844688-A-C. GRCh37 (hg19) VCF-style: chrX-14862810-A-C.
Other names: c.1980T>G, p.Phe660Leu (NM_001324162.2, NM_001410764.1, NM_152633.4); short protein forms F660L.
Identifiers: ClinVar variation 4882233 (VCV004882233.2).
Genomic context (GRCh38, chrX:14,844,688, plus strand): 5'-CATATGTTCTAAGAGCCACACCTTCATTGAATTCAGGGCATAGCCGGGTGATGTGATTTG[A>C]AAACAAGATTTATGGAATGCTGCAAGAAGTGCAAAAAGATCTTCCATGTGCTCTACAAAA-3'
Protein context (NP_001018123.1, residues 650-670): ALLAAFHKSC[Phe660Leu]QITSPGYALN

ClinVar aggregate classification (germline): Uncertain significance (1 of 4 stars; one submission).

Submission:

Dasa
Classification: Uncertain significance. Last evaluated: 2025-11-26. Review status: criteria provided, single submitter. Criteria: DASA Assertion Criteria. Collection method: clinical testing. Allele origin: germline.
Comment: NM_001018113.3(FANCB):c.1980T>G (p.Phe660Leu) is a missense variant that results in the substitution of phenylalanine with leucine. This variant is absent from population databases. The currently available literature and clinical evidence are not sufficient to establish a definitive association between this variant and the reported condition. Therefore, this variant is classified as a variant of uncertain significance.